The following is an entry in ClinVar:

NM_000093.5(COL5A1):c.1569+16A>G

Gene: COL5A1 (collagen type V alpha 1 chain; plus strand). Cytogenetic location: 9q34.3.
Variant type: single nucleotide variant.
Coding change: c.1569+16A>G on transcript NM_000093.5 (MANE Select); 16 bases into the intron after coding-DNA position 1569, A replaced by G.
Molecular consequence: intron variant.
Genome position (GRCh38, 1-based): chr9:134,750,632, A>G. VCF-style: chr9-134750632-A-G. GRCh37 (hg19) VCF-style: chr9-137642478-A-G.
Other names: c.1569+16A>G (NM_001278074.1).
Identifiers: ClinVar variation 136862 (VCV000136862.16), dbSNP rs12685946, ClinGen allele CA290230.
Genomic context (GRCh38, chr9:134,750,632, plus strand): 5'-GCCGATGGCCTGCCCGGTCCTCCAGGAACCATGCTCATGCTGCCCGTGAGTACCCTTATC[A>G]GTCGGAGGTGGGGAGGCAGCTGGGGCAGGTGGGATCCAAACCAGACCCTCTGAGGCTGCG-3'

ClinVar aggregate classification (germline): Benign. Review status: criteria provided, multiple submitters, no conflicts (2 of 4 stars). 8 submissions from 7 submitters: Benign (8). Last evaluated 2026-02-04.

Conditions:
Fibromuscular dysplasia, multifocal. Identifiers: MedGen C5543412, MONDO:0859151, OMIM 619329.
Ehlers-Danlos syndrome, classic type, 1 (EDSCL1). Also called: Ehlers-Danlos syndrome, type 1; EHLERS-DANLOS SYNDROME, GRAVIS TYPE; EHLERS-DANLOS SYNDROME, SEVERE CLASSIC TYPE; Ehlers-Danlos Syndrome, Classic Type, COL5A1-Related; EDS I. Identifiers: MedGen C0268335, MONDO:0019567, OMIM 130000.

Allele frequency attached by ClinVar (database versions not stated): gnomAD exomes 0.22829 and 0.23481; ExAC 0.23613; gnomAD 0.28997 and 0.29746; TOPMed 0.29802; 1000 Genomes Project 0.29952; 1000 Genomes Project 30x 0.29981; ESP Exome Variant Server 0.31040.
gnomAD v4.1: 386,931 of 1,612,112 alleles (24%); highest among the groups gnomAD compares: African/African-American, 47%; 49,976 homozygotes.

Submissions (8):

Labcorp Genetics (formerly Invitae), Labcorp
Classification: Benign for Ehlers-Danlos syndrome, classic type, 1. Last evaluated: 2026-02-04. Review status: criteria provided, single submitter. Criteria: Invitae Variant Classification Sherloc (09022015). Collection method: clinical testing. Allele origin: germline.

Blueprint Genetics
Classification: Benign. Last evaluated: 2024-11-27. Review status: criteria provided, single submitter. Criteria: ACMG Guidelines, 2015. Collection method: clinical testing. Allele origin: germline.

Women's Health and Genetics/Laboratory Corporation of America, LabCorp
Classification: Benign. Last evaluated: 2023-04-04. Review status: criteria provided, single submitter. Criteria: LabCorp Variant Classification Summary - May 2015. Collection method: clinical testing. Allele origin: germline.

Genome-Nilou Lab
Classification: Benign for Ehlers-Danlos syndrome, classic type, 1. Last evaluated: 2021-07-30. Review status: criteria provided, single submitter. Criteria: ACMG Guidelines, 2015. Collection method: clinical testing. Allele origin: germline. Affected: no.

Genome-Nilou Lab
Classification: Benign for Fibromuscular dysplasia, multifocal. Last evaluated: 2021-07-30. Review status: criteria provided, single submitter. Criteria: ACMG Guidelines, 2015. Collection method: clinical testing. Allele origin: germline. Affected: no.

GeneDx
Classification: Benign. Last evaluated: 2012-11-02. Review status: criteria provided, single submitter. Criteria: GeneDx Variant Classification (06012015). Collection method: clinical testing. Allele origin: germline. Affected: yes.
Comment: This variant is considered likely benign or benign based on one or more of the following criteria: it is a conservative change, it occurs at a poorly conserved position in the protein, it is predicted to be benign by multiple in silico algorithms, and/or has population frequency not consistent with disease.

Breakthrough Genomics
Classification: Benign. Review status: criteria provided, single submitter. Criteria: ACMG Guidelines, 2015. Collection method: not provided. Allele origin: germline. Inheritance: Autosomal dominant inheritance. Affected: yes.

PreventionGenetics, part of Exact Sciences
Classification: Benign. Review status: criteria provided, single submitter. Criteria: ACMG Guidelines, 2015. Collection method: clinical testing. Allele origin: germline.